The following is an entry in ClinVar:

ClinVar aggregate classification (germline): Conflicting classifications of pathogenicity. Review status: criteria provided, conflicting classifications (1 of 4 stars). 5 submissions from 4 submitters: Uncertain significance (2); Benign (1); Likely benign (2). Last evaluated 2025-11-06.

Conditions:
Autosomal dominant nonsyndromic hearing loss 17. Also called: Deafness, autosomal dominant 17; Autosomal dominant nonsyndromic deafness 17. Identifiers: Orphanet 90635, MedGen C1863659, MONDO:0011350, OMIM 603622.
MYH9-related disorder. Identifiers: MedGen C1854520.

Allele frequency attached by ClinVar (database versions not stated): ExAC 0.00001; gnomAD exomes 0.00002; gnomAD 0.00003 and 0.00005; TOPMed 0.00007; ESP Exome Variant Server 0.00008.
gnomAD v4.1: 39 of 1,611,704 alleles (0.0024%); highest among the groups gnomAD compares: African/African-American, 0.011%; no homozygotes.

Submissions (5):

PreventionGenetics, part of Exact Sciences
Classification: Likely benign for MYH9-related condition. Last evaluated: 2025-11-06. Review status: criteria provided, single submitter. Criteria: ACMG Guidelines, 2015. Collection method: clinical testing. Allele origin: germline.
Comment: This variant is classified as likely benign based on ACMG/AMP sequence variant interpretation guidelines (Richards et al. 2015 PMID: 25741868, with internal and published modifications).

Labcorp Genetics (formerly Invitae), Labcorp
Classification: Benign. Last evaluated: 2022-05-24. Review status: criteria provided, single submitter. Criteria: Invitae Variant Classification Sherloc (09022015). Collection method: clinical testing. Allele origin: germline.

Illumina Laboratory Services, Illumina
Classification: Uncertain significance for Autosomal dominant nonsyndromic hearing loss 17. Last evaluated: 2018-01-13. Review status: criteria provided, single submitter. Criteria: ICSL Variant Classification Criteria 13 December 2019. Collection method: clinical testing. Allele origin: germline.

Illumina Laboratory Services, Illumina
Classification: Uncertain significance for MYH9-related disorder. Last evaluated: 2018-01-13. Review status: criteria provided, single submitter. Criteria: ICSL Variant Classification Criteria 13 December 2019. Collection method: clinical testing. Allele origin: germline.

Laboratory for Molecular Medicine, Mass General Brigham Personalized Medicine
Classification: Likely benign. Last evaluated: 2016-08-02. Review status: criteria provided, single submitter. Criteria: LMM Criteria. Collection method: clinical testing. Allele origin: germline. Observed: 1 variant allele.
Comment: p.Ala897Ala in exon 22 of MYH9: This variant is not expected to have clinical si gnificance because it does not alter an amino acid residue, is not located withi n the splice consensus sequence, and has been identified in 1/10322 African chro mosomes by the Exome Aggregation Consortium (ExAC, g; dbSNP rs148883810).

NM_002473.6(MYH9):c.2691C>T (p.Ala897=)

Genes: MYH9 (myosin heavy chain 9; minus strand), LOC126863137 (CDK7 strongly-dependent group 2 enhancer GRCh37_chr22:36696002-36697201; plus strand). Cytogenetic location: 22q12.3.
Variant type: single nucleotide variant.
Coding change: c.2691C>T on transcript NM_002473.6 (MANE Select); coding-DNA position 2691, C replaced by T.
Protein change: p.Ala897=; no amino-acid change (alanine 897 retained).
Molecular consequence: synonymous variant.
Genome position (GRCh38, 1-based): chr22:36,300,998, G>A on the plus strand (C>T on the coding strand, the complement: MYH9 is on the minus strand). VCF-style: chr22-36300998-G-A. GRCh37 (hg19) VCF-style: chr22-36697044-G-A.
Other names: c.2691C>T (NM_002473.5).
Identifiers: ClinVar variation 504625 (VCV000504625.13), dbSNP rs148883810, ClinGen allele CA10209887.
Genomic context (GRCh38, chr22:36,300,998, plus strand): 5'-GCAGATCTCTTCTAATTCCTGCTTCTTGGCGGTCAGGCGGGCCCGGAGCTCCTCAGCCTC[G>A]GCACACAGCTCGGTTTCTGCCTGGAGCTGCTCCTGCAGCTGCAATTTCTCTGCCATGAGC-3'
Protein context (NP_002464.1, residues 887-907): EQLQAETELC[Ala897=]EAEELRARLT